The following is an entry in ClinVar:

NM_001111.5(ADAR):c.3067G>A (p.Asp1023Asn)

Gene: ADAR (adenosine deaminase RNA specific; minus strand). Cytogenetic location: 1q21.3.
Variant type: single nucleotide variant.
Coding change: c.3067G>A on transcript NM_001111.5 (MANE Select); coding-DNA position 3067, G replaced by A.
Protein change: p.Asp1023Asn; replaces aspartic acid 1023 with asparagine.
Molecular consequence: missense variant.
Genome position (GRCh38, 1-based): chr1:154,586,316, C>T on the plus strand (G>A on the coding strand, the complement: ADAR is on the minus strand). VCF-style: chr1-154586316-C-T. GRCh37 (hg19) VCF-style: chr1-154558792-C-T.
Other names: c.2182G>A, p.Asp728Asn (NM_001025107.3, NM_001193495.2, NM_001365046.1 and 2 more transcripts); c.3094G>A, p.Asp1032Asn (NM_001365045.1); c.2104G>A, p.Asp702Asn (NM_001365049.1); c.2989G>A, p.Asp997Asn (NM_015840.4); c.2932G>A, p.Asp978Asn (NM_015841.4); short protein forms D1023N, D1032N, D702N, D728N, D978N, D997N.
Identifiers: ClinVar variation 1001755 (VCV001001755.8), dbSNP rs1696759083, ClinGen allele CA342635800.

ClinVar aggregate classification (germline): Uncertain significance (1 of 4 stars; one submission).

Conditions:
Aicardi-Goutieres syndrome 6 (AGS6). Identifiers: Orphanet 51, MedGen C3539013, MONDO:0014007, OMIM 615010.
Symmetrical dyschromatosis of extremities (DSH). Also called: DYSCHROMATOSIS SYMMETRICA HEREDITARIA 1; RETICULATE ACROPIGMENTATION OF DOHI; SYMMETRIC DYSCHROMATOSIS OF THE EXTREMITIES; Dyschromatosis symmetrica hereditaria. Identifiers: Orphanet 41, MedGen C0406775, MONDO:0007483, OMIM 127400.

Submission:

Labcorp Genetics (formerly Invitae), Labcorp
Classification: Uncertain significance for Aicardi-Goutieres syndrome 6; Symmetrical dyschromatosis of extremities. Last evaluated: 2025-12-01. Review status: criteria provided, single submitter. Criteria: Invitae Variant Classification Sherloc (09022015). Collection method: clinical testing. Allele origin: germline.
Comment: This sequence change replaces aspartic acid, which is acidic and polar, with asparagine, which is neutral and polar, at codon 1023 of the ADAR protein (p.Asp1023Asn). This variant is not present in population databases (gnomAD no frequency). This variant has not been reported in the literature in individuals affected with ADAR-related conditions. ClinVar contains an entry for this variant (Variation ID: 1001755). Invitae Evidence Modeling of protein sequence and biophysical properties (such as structural, functional, and spatial information, amino acid conservation, physicochemical variation, residue mobility, and thermodynamic stability) indicates that this missense variant is expected to disrupt ADAR protein function with a positive predictive value of 80%. In summary, the available evidence is currently insufficient to determine the role of this variant in disease. Therefore, it has been classified as a Variant of Uncertain Significance.